The following is an entry in ClinVar:

NM_005996.4(TBX3):c.2061G>A (p.Ser687=)

Gene: TBX3 (T-box transcription factor 3; minus strand). Cytogenetic location: 12q24.21.
Variant type: single nucleotide variant.
Coding change: c.2061G>A on transcript NM_005996.4 (MANE Select); coding-DNA position 2061, G replaced by A.
Protein change: p.Ser687=; no amino-acid change (serine 687 retained).
Molecular consequence: synonymous variant.
Genome position (GRCh38, 1-based): chr12:114,671,952, C>T on the plus strand (G>A on the coding strand, the complement: TBX3 is on the minus strand). VCF-style: chr12-114671952-C-T. GRCh37 (hg19) VCF-style: chr12-115109757-C-T.
Other names: c.2121G>A, p.Ser707= (NM_016569.4); c.2121G>A (NM_016569.3).
Identifiers: ClinVar variation 726426 (VCV000726426.5), dbSNP rs757924576, ClinGen allele CA482135835.

ClinVar aggregate classification (germline): Likely benign. Review status: criteria provided, single submitter (1 of 4 stars). 2 submissions from 2 submitters: Likely benign (1). 1 of the submissions does not count toward it. Last evaluated 2017-12-20.

Conditions:
TBX3-related disorder. Also called: TBX3-related condition.

Allele frequency attached by ClinVar (database versions not stated): TOPMed 0.00001; gnomAD 0.00003.

Submissions (2):

Labcorp Genetics (formerly Invitae), Labcorp
Classification: Likely benign. Last evaluated: 2017-12-20. Review status: criteria provided, single submitter. Criteria: Invitae Variant Classification Sherloc (09022015). Collection method: clinical testing. Allele origin: germline.

PreventionGenetics, part of Exact Sciences
Classification: Likely benign for TBX3-related condition. Last evaluated: 2022-08-18. Review status: no assertion criteria provided. Collection method: clinical testing. Allele origin: germline. Not counted in ClinVar's aggregate classification.
Comment: This variant is classified as likely benign based on ACMG/AMP sequence variant interpretation guidelines (Richards et al. 2015 PMID: 25741868, with internal and published modifications).